The following is an entry in ClinVar:

ClinVar aggregate classification (germline): Pathogenic (3 of 4 stars; one submission).

Conditions:
Monogenic diabetes. Identifiers: Orphanet 183625, MedGen C3888631, MONDO:0015967.

Submission:

ClinGen Monogenic Diabetes Variant Curation Expert Panel
Classification: Pathogenic for Monogenic diabetes. Last evaluated: 2021-08-24. Review status: reviewed by expert panel. Criteria: ClinGen Diabetes ACMG Specifications v1 1. Collection method: curation. Allele origin: germline. Inheritance: Autosomal dominant inheritance.
Comment: The c.427C>T variant in the HNF1 homeobox A gene, HNF1A, causes an amino acid change of histidine to tyrosine at codon 143 (p.(His143Tyr)) of NM_000545.8. This variant resides in an amino acid within the HNF1α DNA binding domain that directly binds DNA, which is defined as critical for the protein’s function by the ClinGen MDEP (PM1). This variant is predicted to be deleterious by computational evidence, with a REVEL score of 0.9639, which is greater than the MDEP threshold of 0.70 (PP3). This variant is absent in gnomAD v2.1.1 (PM2_Supporting), and was identified in 4 unrelated individuals with non-autoimmune and non-absolute/near-absolute insulin-deficient diabetes (PS4_Moderate; PMID: 10102714, PMID: 9075819, PMID: 15928245, internal lab contributors). One of these individuals has a clinical history highly specific for HNF1A-MODY (MODY probability calculator result >50%, negative genetic testing for HNF4A, and negative antibodies) (PP4_Moderate; internal lab contributor). This variant segregated with diabetes, with at least 8 informative meioses in one family with MODY (PP1_Strong; PMID 10102714/internal lab contributor). Taken together, this evidence supports the classification of this variant as pathogenic for monogenic diabetes. ACMG/AMP criteria applied as specified by the ClinGen MDEP VCEP (specification version 1.0, approved 8/24/21): PP1_Strong, PP4_moderate, PM1, PS4_moderate, PP3, PM2_Supporting.

NM_000545.8(HNF1A):c.427C>T (p.His143Tyr)

Gene: HNF1A (HNF1 homeobox A; plus strand). Cytogenetic location: 12q24.31.
Variant type: single nucleotide variant.
Coding change: c.427C>T on transcript NM_000545.8 (MANE Select); coding-DNA position 427, C replaced by T.
Protein change: p.His143Tyr; replaces histidine 143 with tyrosine.
Molecular consequence: missense variant.
Genome position (GRCh38, 1-based): chr12:120,988,933, C>T. VCF-style: chr12-120988933-C-T. GRCh37 (hg19) VCF-style: chr12-121426736-C-T.
Other names: NM_001306179.2:c.427C>T; c.427C>T, p.His143Tyr (NM_001306179.2); short protein forms H143Y.
Identifiers: ClinVar variation 1327606 (VCV001327606.3), dbSNP rs2135832685, ClinGen allele CA386959939.
Genomic context (GRCh38, chr12:120,988,933, plus strand): 5'-CTGCAGCAGCACAACATCCCACAGCGGGAGGTGGTCGATACCACTGGCCTCAACCAGTCC[C>T]ACCTGTCCCAACACCTCAACAAGGGCACTCCCATGAAGACGCAGAAGCGGGCCGCCCTGT-3'
Protein context (NP_000536.6, residues 133-153): VVDTTGLNQS[His143Tyr]LSQHLNKGTP